The following is an entry in ClinVar:

NM_000396.4(CTSK):c.746T>A (p.Ile249Asn)

Gene: CTSK (cathepsin K; minus strand). Cytogenetic location: 1q21.3.
Variant type: single nucleotide variant.
Coding change: c.746T>A on transcript NM_000396.4 (MANE Select); coding-DNA position 746, T replaced by A.
Protein change: p.Ile249Asn; replaces isoleucine 249 with asparagine.
Molecular consequence: missense variant.
Genome position (GRCh38, 1-based): chr1:150,799,582, A>T on the plus strand (T>A on the coding strand, the complement: CTSK is on the minus strand). VCF-style: chr1-150799582-A-T. GRCh37 (hg19) VCF-style: chr1-150772058-A-T.
Other names: short protein forms I249N.
Identifiers: ClinVar variation 1301984 (VCV001301984.7), dbSNP rs199919553, ClinGen allele CA342336034.

ClinVar aggregate classification (germline): Likely pathogenic. Review status: criteria provided, multiple submitters, no conflicts (2 of 4 stars). 4 submissions from 4 submitters: Likely pathogenic (4). Last evaluated 2024-03-04.

Conditions:
Pyknodysostosis. Also called: Pycnodysostosis. Identifiers: Orphanet 763, MedGen C0238402, MONDO:0009940, OMIM 265800.
CTSK-related disorder. Also called: CTSK-related condition.

gnomAD v4.1: 1 of 1,614,072 alleles (0.000062%); highest among the groups gnomAD compares: Non-Finnish European, 0.000085%; no homozygotes.

Submissions (4):

Blueprint Genetics
Classification: Likely pathogenic for CTSK-related disorders. Last evaluated: 2024-03-04. Review status: criteria provided, single submitter. Criteria: ACMG Guidelines, 2015. Collection method: clinical testing. Allele origin: germline. Affected: yes. Observed: 2 variant alleles.

Labcorp Genetics (formerly Invitae), Labcorp
Classification: Likely pathogenic. Last evaluated: 2023-10-09. Review status: criteria provided, single submitter. Criteria: Invitae Variant Classification Sherloc (09022015). Collection method: clinical testing. Allele origin: germline.
Comment: This sequence change replaces isoleucine, which is neutral and non-polar, with asparagine, which is neutral and polar, at codon 249 of the CTSK protein (p.Ile249Asn). This variant is present in population databases (no rsID available, gnomAD 0.007%). This missense change has been observed in individuals with pycnodysostosis (PMID: 35315254). ClinVar contains an entry for this variant (Variation ID: 1301984). Advanced modeling of protein sequence and biophysical properties (such as structural, functional, and spatial information, amino acid conservation, physicochemical variation, residue mobility, and thermodynamic stability) performed at Invitae indicates that this missense variant is expected to disrupt CTSK protein function. This variant disrupts the p.Ile249 amino acid residue in CTSK. Other variant(s) that disrupt this residue have been determined to be pathogenic (PMID: 17397052, 24767306, 25725806, 26892377, 30199612). This suggests that this residue is clinically significant, and that variants that disrupt this residue are likely to be disease-causing. In summary, the currently available evidence indicates that the variant is pathogenic, but additional data are needed to prove that conclusively. Therefore, this variant has been classified as Likely Pathogenic.

Baylor Genetics
Classification: Likely pathogenic for Pyknodysostosis. Last evaluated: 2023-03-27. Review status: criteria provided, single submitter. Criteria: ACMG Guidelines, 2015. Collection method: clinical testing. Allele origin: unknown.

Laboratory of Inherited Metabolic Diseases, Research centre for medical genetics
Classification: Likely pathogenic for Pyknodysostosis. Last evaluated: 2021-10-28. Review status: criteria provided, single submitter. Criteria: ACMG Guidelines, 2015. Collection method: clinical testing. Allele origin: inherited. Inheritance: Autosomal recessive inheritance. Affected: yes. Observed: 3 homozygotes.

Literature cited by the submitters: PubMed 35315254 (cited by Labcorp Genetics (formerly Invitae), Labcorp); PubMed 17397052 (cited by Labcorp Genetics (formerly Invitae), Labcorp); PubMed 24767306 (cited by Labcorp Genetics (formerly Invitae), Labcorp); PubMed 25725806 (cited by Labcorp Genetics (formerly Invitae), Labcorp); PubMed 26892377 (cited by Labcorp Genetics (formerly Invitae), Labcorp); PubMed 30199612 (cited by Labcorp Genetics (formerly Invitae), Labcorp).